The following is an entry in ClinVar:

ClinVar aggregate classification (germline): Likely pathogenic (1 of 4 stars; one submission).

Conditions:
Arrhythmogenic right ventricular dysplasia 8 (ARVD8). Also called: ARRHYTHMOGENIC RIGHT VENTRICULAR DYSPLASIA, FAMILIAL, 8; ARRHYTHMOGENIC RIGHT VENTRICULAR CARDIOMYOPATHY 8; Arrhythmogenic Right Ventricular Dysplasia/Cardiomyopathy 8. Identifiers: MedGen C1843896, MONDO:0011831, OMIM 607450.

Submission:

3billion
Classification: Likely pathogenic for Arrhythmogenic right ventricular dysplasia 8. Last evaluated: 2023-12-07. Review status: criteria provided, single submitter. Criteria: ACMG Guidelines, 2015. Collection method: clinical testing. Allele origin: germline. Affected: yes.
Comment: The variant is not observed in the gnomAD v2.1.1 dataset. Predicted Consequence/Location: Frameshift: predicted to result in a loss or disruption of normal protein function through nonsense-mediated decay (NMD) or protein truncation. Multiple pathogenic variants are reported downstream of the variant. Therefore, this variant is classified as Likely pathogenic according to the recommendation of ACMG/AMP guideline.

NM_004415.4(DSP):c.841dup (p.Arg281fs)

Gene: DSP (desmoplakin; plus strand). Cytogenetic location: 6p24.3.
Variant type: Duplication.
Coding change: c.841dup on transcript NM_004415.4 (MANE Select); coding-DNA position 841, one base duplicated (A; older notation c.841dupA).
Protein change: p.Arg281fs; shifts the reading frame from arginine 281.
Molecular consequence: frameshift variant.
Genome position (GRCh38, 1-based): chr6:7,565,422, A duplicated. VCF-style (leftmost placement, unchanged base first): chr6-7565421-C-CA. GRCh37 (hg19) VCF-style: chr6-7565654-C-CA.
Other names: c.841dup, p.Arg281fs (NM_001008844.3, NM_001319034.2, NM_001406591.1); short protein forms R281fs.
Identifiers: ClinVar variation 3775794 (VCV003775794.1).
Genomic context (GRCh38, chr6:7,565,421, plus strand): 5'-AGCGTCCTTTGAGAGGATGGATCACCTGCGACAGCTGCAGAACATCATTCAGGCCACGTC[C>CA]AGGGAGATCATGTGGATCAATGACTGCGAGGAGGAGGAGCTGCTGTACGACTGGAGCGAC-3'